The following is an entry in ClinVar:

ClinVar aggregate classification (germline): Likely benign (1 of 4 stars; one submission).

Conditions:
RNU7-1-related condition.

gnomAD v4.1: 404 of 860,182 alleles (0.047%); highest among the groups gnomAD compares: East Asian, 0.29%; no homozygotes.

Submission:

PreventionGenetics, part of Exact Sciences
Classification: Likely benign for RNU7-1-related condition. Last evaluated: 2026-06-16. Review status: criteria provided, single submitter. Criteria: ACMG Guidelines, 2015. Collection method: clinical testing. Allele origin: germline.
Comment: This variant is classified as likely benign based on ACMG/AMP sequence variant interpretation guidelines (Richards et al. 2015 PMID: 25741868, with internal and published modifications).

NC_000012.12:g.6943812G>C

Genes: C12orf57 (chromosome 12 open reading frame 57; plus strand), RNU7-1 (RNA, U7 small nuclear 1; plus strand). Cytogenetic location: 12p13.31.
Variant type: single nucleotide variant.
Molecular consequence: intron variant (on NM_001301836.2).
Genome position: GRCh38 VCF-style: chr12-6943812-G-C. GRCh37 (hg19) VCF-style: chr12-7052975-G-C.
Other names: c.13+150G>C (NM_001301836.2); c.-16+150G>C (NM_001301834.1).
Identifiers: ClinVar variation 4984609 (VCV004984609.1).